The following is an entry in ClinVar:

ClinVar aggregate classification (germline): Uncertain significance. Review status: criteria provided, multiple submitters, no conflicts (2 of 4 stars). 2 submissions from 2 submitters: Uncertain significance (2). Last evaluated 2025-04-13.

Conditions:
Peutz-Jeghers syndrome (PJS). Also called: Peutz-Jeghers polyposis; Periorificial lentiginosis syndrome; POLYPOSIS, HAMARTOMATOUS INTESTINAL; POLYPS-AND-SPOTS SYNDROME. Identifiers: Orphanet 2869, MedGen C0031269, MeSH D010580, MONDO:0008280, OMIM 175200.
Hereditary cancer-predisposing syndrome. Also called: Hereditary neoplastic syndrome; Tumor predisposition; Neoplastic Syndromes, Hereditary; Hereditary Cancer Syndrome. Identifiers: Orphanet 140162, MedGen C0027672, MeSH D009386, MONDO:0015356.

gnomAD v4.1: 1 of 1,613,808 alleles (0.000062%); highest among the groups gnomAD compares: Non-Finnish European, 0.000085%; no homozygotes.

Submissions (2):

Labcorp Genetics (formerly Invitae), Labcorp
Classification: Uncertain significance for Peutz-Jeghers syndrome. Last evaluated: 2025-04-13. Review status: criteria provided, single submitter. Criteria: Invitae Variant Classification Sherloc (09022015). Collection method: clinical testing. Allele origin: germline.
Comment: This sequence change replaces methionine, which is neutral and non-polar, with valine, which is neutral and non-polar, at codon 51 of the STK11 protein (p.Met51Val). This variant is not present in population databases (gnomAD no frequency). This variant has not been reported in the literature in individuals affected with STK11-related conditions. ClinVar contains an entry for this variant (Variation ID: 859844). Invitae Evidence Modeling of protein sequence and biophysical properties (such as structural, functional, and spatial information, amino acid conservation, physicochemical variation, residue mobility, and thermodynamic stability) has been performed for this missense variant. However, the output from this modeling did not meet the statistical confidence thresholds required to predict the impact of this variant on STK11 protein function. In summary, the available evidence is currently insufficient to determine the role of this variant in disease. Therefore, it has been classified as a Variant of Uncertain Significance.

Ambry Genetics
Classification: Uncertain significance for Hereditary cancer-predisposing syndrome. Last evaluated: 2015-08-12. Review status: criteria provided, single submitter. Criteria: Ambry Variant Classification Scheme 2023. Collection method: clinical testing. Allele origin: germline.
Comment: The p.M51V variant (also known as c.151A>G), located in coding exon 1 of the STK11 gene, results from an A to G substitution at nucleotide position 151. The methionine at codon 51 is replaced by valine, an amino acid with highly similar properties. This variant was not reported in population based cohorts in the following databases: Database of Single Nucleotide Polymorphisms (dbSNP), NHLBI Exome Sequencing Project (ESP), and 1000 Genomes Project. In the ESP, this variant was not observed in 6255 samples (12510 alleles) with coverage at this position. To date, this alteration has been detected with an allele frequency of approximately 0.001% (greater than 110000 alleles tested) in our clinical cohort. This amino acid position is highly conserved in available vertebrate species. In addition, the in silico prediction for this alteration is inconclusive. Since supporting evidence is limited at this time, the clinical significance of p.M51V remains unclear.

NM_000455.5(STK11):c.151A>G (p.Met51Val)

Gene: STK11 (serine/threonine kinase 11; plus strand). Cytogenetic location: 19p13.3.
Variant type: single nucleotide variant.
Coding change: c.151A>G on transcript NM_000455.5 (MANE Select); coding-DNA position 151, A replaced by G.
Protein change: p.Met51Val; replaces methionine 51 with valine.
Molecular consequence: missense variant.
Genome position (GRCh38, 1-based): chr19:1,207,064, A>G. VCF-style: chr19-1207064-A-G. GRCh37 (hg19) VCF-style: chr19-1207063-A-G.
Other names: short protein forms M51V.
Identifiers: ClinVar variation 859844 (VCV000859844.12), dbSNP rs730881986, ClinGen allele CA089290.